The following is an entry in ClinVar:

NM_005458.8(GABBR2):c.142C>T (p.Arg48Trp)

Gene: GABBR2 (gamma-aminobutyric acid type B receptor subunit 2; minus strand). Cytogenetic location: 9q22.33.
Variant type: single nucleotide variant.
Coding change: c.142C>T on transcript NM_005458.8 (MANE Select); coding-DNA position 142, C replaced by T.
Protein change: p.Arg48Trp; replaces arginine 48 with tryptophan.
Molecular consequence: missense variant.
Genome position (GRCh38, 1-based): chr9:98,708,596, G>A on the plus strand (C>T on the coding strand, the complement: GABBR2 is on the minus strand). VCF-style: chr9-98708596-G-A. GRCh37 (hg19) VCF-style: chr9-101470878-G-A.
Other names: short protein forms R48W.
Identifiers: ClinVar variation 2038249 (VCV002038249.28), dbSNP rs763768715, ClinGen allele CA374212764.

ClinVar aggregate classification (germline): Uncertain significance. Review status: criteria provided, multiple submitters, no conflicts (2 of 4 stars). 2 submissions from 2 submitters: Uncertain significance (2). Last evaluated 2024-04-10.

Conditions:
Epileptic encephalopathy. Identifiers: MedGen C0543888, HP:0200134.

Allele frequency attached by ClinVar (database versions not stated): 1000 Genomes Project 30x 0.00016.
gnomAD v4.1: 13 of 1,436,750 alleles (0.0009%); highest among the groups gnomAD compares: African/African-American, 0.0015%; no homozygotes.

Submissions (2):

Labcorp Genetics (formerly Invitae), Labcorp
Classification: Uncertain significance for Epileptic encephalopathy. Last evaluated: 2024-04-10. Review status: criteria provided, single submitter. Criteria: Invitae Variant Classification Sherloc (09022015). Collection method: clinical testing. Allele origin: germline.
Comment: This sequence change replaces arginine, which is basic and polar, with tryptophan, which is neutral and slightly polar, at codon 48 of the GABBR2 protein (p.Arg48Trp). This variant is not present in population databases (gnomAD no frequency). This variant has not been reported in the literature in individuals affected with GABBR2-related conditions. ClinVar contains an entry for this variant (Variation ID: 2038249). Experimental studies and prediction algorithms are not available or were not evaluated, and the functional significance of this variant is currently unknown. In summary, the available evidence is currently insufficient to determine the role of this variant in disease. Therefore, it has been classified as a Variant of Uncertain Significance.

CeGaT Center for Human Genetics Tuebingen
Classification: Uncertain significance. Last evaluated: 2022-12-01. Review status: criteria provided, single submitter. Criteria: CeGaT Center For Human Genetics Tuebingen Variant Classification Criteria Version 2. Collection method: clinical testing. Allele origin: germline. Affected: yes. Observed: 1 variant allele.
Comment: GABBR2: PM2, PP2, BP5